The following is an entry in ClinVar:

ClinVar aggregate classification (germline): Uncertain significance. Review status: criteria provided, single submitter (1 of 4 stars). 2 submissions from 2 submitters: Uncertain significance (1). 1 of the submissions does not count toward it. Last evaluated 2021-09-01.

Conditions:
Glycogen storage disease type III (GSD3). Also called: Cori disease; FORBES DISEASE. Identifiers: Orphanet 366, MedGen C0017922, MONDO:0009291, OMIM 232400.

Allele frequency attached by ClinVar (database versions not stated): gnomAD 0.00001; TOPMed 0.00001.
gnomAD v4.1: 42 of 1,613,722 alleles (0.0026%); highest among the groups gnomAD compares: Middle Eastern, 0.016%; no homozygotes.

Submissions (2):

Labcorp Genetics (formerly Invitae), Labcorp
Classification: Uncertain significance for Glycogen storage disease type III. Last evaluated: 2021-09-01. Review status: criteria provided, single submitter. Criteria: Invitae Variant Classification Sherloc (09022015). Collection method: clinical testing. Allele origin: germline.
Comment: This sequence change replaces arginine with glutamine at codon 34 of the AGL protein (p.Arg34Gln). The arginine residue is moderately conserved and there is a small physicochemical difference between arginine and glutamine. This variant is present in population databases (rs746265668, ExAC 0.01%). This variant has not been reported in the literature in individuals affected with AGL-related conditions. Algorithms developed to predict the effect of missense changes on protein structure and function are either unavailable or do not agree on the potential impact of this missense change (SIFT: "Tolerated"; PolyPhen-2: "Possibly Damaging"; Align-GVGD: "Class C0"). In summary, the available evidence is currently insufficient to determine the role of this variant in disease. Therefore, it has been classified as a Variant of Uncertain Significance.

Natera, Inc.
Classification: Uncertain significance for Glycogen storage disease type III. Last evaluated: 2019-10-28. Review status: no assertion criteria provided. Collection method: clinical testing. Allele origin: germline. Not counted in ClinVar's aggregate classification.

NM_000642.3(AGL):c.101G>A (p.Arg34Gln)

Gene: AGL (amylo-alpha-1,6-glucosidase and 4-alpha-glucanotransferase; plus strand). Cytogenetic location: 1p21.2.
Variant type: single nucleotide variant.
Coding change: c.101G>A on transcript NM_000642.3 (MANE Select); coding-DNA position 101, G replaced by A.
Protein change: p.Arg34Gln; replaces arginine 34 with glutamine.
Molecular consequence: missense variant.
Genome position (GRCh38, 1-based): chr1:99,861,521, G>A. VCF-style: chr1-99861521-G-A. GRCh37 (hg19) VCF-style: chr1-100327077-G-A.
Other names: c.101G>A, p.Arg34Gln (NM_000028.3, NM_000643.3, NM_000644.3 and 5 more transcripts); c.53G>A, p.Arg18Gln (NM_000646.3); short protein forms R34Q, R18Q.
Identifiers: ClinVar variation 571180 (VCV000571180.10), dbSNP rs746265668, ClinGen allele CA966061.